The following is an entry in ClinVar:

ClinVar aggregate classification (germline): Uncertain significance. Review status: criteria provided, multiple submitters, no conflicts (2 of 4 stars). 2 submissions from 2 submitters: Uncertain significance (2). Last evaluated 2025-05-01.

Conditions:
Inborn genetic diseases. Identifiers: MedGen C0950123, MeSH D030342.

gnomAD v4.1: 8 of 1,375,570 alleles (0.00058%); highest among the groups gnomAD compares: South Asian, 0.0067%; no homozygotes.

Submissions (2):

Ambry Genetics
Classification: Uncertain significance for Inborn genetic diseases. Last evaluated: 2025-05-01. Review status: criteria provided, single submitter. Criteria: Ambry Variant Classification Scheme 2023. Collection method: clinical testing. Allele origin: germline.

CeGaT Center for Human Genetics Tuebingen
Classification: Uncertain significance. Last evaluated: 2022-10-01. Review status: criteria provided, single submitter. Criteria: CeGaT Center For Human Genetics Tuebingen Variant Classification Criteria Version 2. Collection method: clinical testing. Allele origin: germline. Affected: yes. Observed: 1 variant allele.
Comment: TRIO: PM2:Supporting, BP4

NM_007118.4(TRIO):c.7135C>T (p.Pro2379Ser)

Gene: TRIO (trio Rho guanine nucleotide exchange factor; plus strand). Cytogenetic location: 5p15.2.
Variant type: single nucleotide variant.
Coding change: c.7135C>T on transcript NM_007118.4 (MANE Select); coding-DNA position 7135, C replaced by T.
Protein change: p.Pro2379Ser; replaces proline 2379 with serine.
Molecular consequence: missense variant.
Genome position (GRCh38, 1-based): chr5:14,487,763, C>T. VCF-style: chr5-14487763-C-T. GRCh37 (hg19) VCF-style: chr5-14487872-C-T.
Other names: c.7135C>T (NM_007118.2); short protein forms P2379S.
Identifiers: ClinVar variation 2655345 (VCV002655345.24), dbSNP rs751572944, ClinGen allele CA3207337.